The following is an entry in ClinVar:

ClinVar aggregate classification (germline): Likely benign (1 of 4 stars; one submission).

Allele frequency attached by ClinVar (database versions not stated): gnomAD 0.00001; gnomAD exomes 0.00002; TOPMed 0.00002; ExAC 0.00003.
gnomAD v4.1: 26 of 1,613,334 alleles (0.0016%); highest among the groups gnomAD compares: South Asian, 0.012%; no homozygotes.

Submission:

CeGaT Center for Human Genetics Tuebingen
Classification: Likely benign. Last evaluated: 2022-07-01. Review status: criteria provided, single submitter. Criteria: CeGaT Center For Human Genetics Tuebingen Variant Classification Criteria Version 2. Collection method: clinical testing. Allele origin: germline. Affected: yes. Observed: 1 variant allele.
Comment: HDAC7: BP4, BP7

NM_015401.5(HDAC7):c.2319C>T (p.Asp773=)

Gene: HDAC7 (histone deacetylase 7; minus strand). Cytogenetic location: 12q13.11.
Variant type: single nucleotide variant.
Coding change: c.2319C>T on transcript NM_015401.5 (MANE Select); coding-DNA position 2319, C replaced by T.
Protein change: p.Asp773=; no amino-acid change (aspartic acid 773 retained).
Molecular consequence: synonymous variant. On other transcripts: non-coding transcript variant (2).
Genome position (GRCh38, 1-based): chr12:47,788,081, G>A on the plus strand (C>T on the coding strand, the complement: HDAC7 is on the minus strand). VCF-style: chr12-47788081-G-A. GRCh37 (hg19) VCF-style: chr12-48181864-G-A.
Other names: c.2268C>T, p.Asp756= (NM_001308090.2); c.2361C>T, p.Asp787= (NM_001368046.1); c.2319C>T, p.Asp773= (NM_001098415.1); c.2208C>T, p.Asp736= (NM_001098416.4).
Identifiers: ClinVar variation 2642922 (VCV002642922.24), dbSNP rs566816185, ClinGen allele CA6532922.
Genomic context (GRCh38, chr12:47,788,081, plus strand): 5'-GATGTGGCCCTGACATGCGGTTACCTCATCCACAGCCCCACTCCCCGGGAAGAAGTTGCC[G>A]TCGTCATGGCGATGCAGGGAGATGTAGAGCACACTGGGGTCTTGGTAGAAGGTTTGCTGG-3'
Protein context (NP_056216.2, residues 763-783): VLYISLHRHD[Asp773=]GNFFPGSGAV